The following is an entry in ClinVar:

NM_000038.6(APC):c.2515G>A (p.Gly839Arg)

Gene: APC (APC regulator of Wnt signaling pathway; plus strand). Cytogenetic location: 5q22.2.
Variant type: single nucleotide variant.
Coding change: c.2515G>A on transcript NM_000038.6 (MANE Select); coding-DNA position 2515, G replaced by A.
Protein change: p.Gly839Arg; replaces glycine 839 with arginine.
Molecular consequence: missense variant. On other transcripts: non-coding transcript variant (2).
Genome position (GRCh38, 1-based): chr5:112,838,109, G>A. VCF-style: chr5-112838109-G-A. GRCh37 (hg19) VCF-style: chr5-112173806-G-A.
Other names: c.2338G>A, p.Gly780Arg (NM_001407453.1, NM_001354901.2); c.2266G>A, p.Gly756Arg (NM_001407454.1, NM_001407455.1, NM_001407456.1 and 1 more transcripts); c.2212G>A, p.Gly738Arg (NM_001407458.1, NM_001407459.1, NM_001407460.1 and 1 more transcripts); c.2515G>A, p.Gly839Arg (NM_001127510.3, NM_001354895.2, NM_001407450.1); c.2461G>A, p.Gly821Arg (NM_001127511.3); c.2569G>A, p.Gly857Arg (NM_001354896.2, NM_001407447.1, NM_001407448.1 and 1 more transcripts); c.2545G>A, p.Gly849Arg (NM_001354897.2); c.2440G>A, p.Gly814Arg (NM_001354898.2); and 11 more; short protein forms G455R, G738R, G811R, G839R, G849R, G556R, G679R, G710R.
Identifiers: ClinVar variation 2567036 (VCV002567036.2), dbSNP rs2149871451, ClinGen allele CA16026839.

ClinVar aggregate classification (germline): Uncertain significance (1 of 4 stars; one submission).

Conditions:
Hereditary cancer-predisposing syndrome. Also called: Hereditary neoplastic syndrome; Hereditary Cancer Syndrome; Neoplastic Syndromes, Hereditary; Tumor predisposition. Identifiers: Orphanet 140162, MedGen C0027672, MeSH D009386, MONDO:0015356.

Submission:

Ambry Genetics
Classification: Uncertain significance for Hereditary cancer-predisposing syndrome. Last evaluated: 2023-05-26. Review status: criteria provided, single submitter. Criteria: Ambry Variant Classification Scheme 2023. Collection method: clinical testing. Allele origin: germline.
Comment: The p.G839R variant (also known as c.2515G>A), located in coding exon 15 of the APC gene, results from a G to A substitution at nucleotide position 2515. The glycine at codon 839 is replaced by arginine, an amino acid with dissimilar properties. This amino acid position is not well conserved in available vertebrate species. In addition, in silico predictors for this gene do not accurately predict pathogenicity. Since supporting evidence is limited at this time, the clinical significance of this alteration remains unclear.